The following is an entry in ClinVar:

ClinVar aggregate classification (germline): Uncertain significance (1 of 4 stars; one submission).

Conditions:
Congenital insensitivity to pain-hypohidrosis syndrome. Also called: HSAN VIII; Neuropathy, hereditary sensory and autonomic, type VIII. Identifiers: Orphanet 478664, MedGen C4225308, MONDO:0014662, OMIM 616488.

Submission:

Labcorp Genetics (formerly Invitae), Labcorp
Classification: Uncertain significance for Congenital insensitivity to pain-hypohidrosis syndrome. Last evaluated: 2022-05-18. Review status: criteria provided, single submitter. Criteria: Invitae Variant Classification Sherloc (09022015). Collection method: clinical testing. Allele origin: germline.
Comment: In summary, the available evidence is currently insufficient to determine the role of this variant in disease. Therefore, it has been classified as a Variant of Uncertain Significance. Algorithms developed to predict the effect of missense changes on protein structure and function are either unavailable or do not agree on the potential impact of this missense change (SIFT: "Deleterious"; PolyPhen-2: "Probably Damaging"; Align-GVGD: "Class C0"). This variant has not been reported in the literature in individuals affected with PRDM12-related conditions. This variant is not present in population databases (gnomAD no frequency). This sequence change replaces glycine, which is neutral and non-polar, with aspartic acid, which is acidic and polar, at codon 295 of the PRDM12 protein (p.Gly295Asp).

NM_021619.3(PRDM12):c.884G>A (p.Gly295Asp)

Gene: PRDM12 (PR/SET domain 12; plus strand). Cytogenetic location: 9q34.12.
Variant type: single nucleotide variant.
Coding change: c.884G>A on transcript NM_021619.3 (MANE Select); coding-DNA position 884, G replaced by A.
Protein change: p.Gly295Asp; replaces glycine 295 with aspartic acid.
Molecular consequence: missense variant.
Genome position (GRCh38, 1-based): chr9:130,681,449, G>A. VCF-style: chr9-130681449-G-A. GRCh37 (hg19) VCF-style: chr9-133556836-G-A.
Other names: short protein forms G295D.
Identifiers: ClinVar variation 1995958 (VCV001995958.4), dbSNP rs2490750341, ClinGen allele CA375244896.